The following is an entry in ClinVar:

ClinVar aggregate classification (germline): Conflicting classifications of pathogenicity. Review status: criteria provided, conflicting classifications (1 of 4 stars). 7 submissions from 7 submitters: Uncertain significance (2); Benign (3); Likely benign (1). 1 of the submissions does not count toward it. Last evaluated 2026-02-25.

Conditions:
Ulnar-mammary syndrome (UMS). Also called: SCHINZEL SYNDROME; PALLISTER ULNAR-MAMMARY SYNDROME; Ulnar-mammary syndrome of Pallister. Identifiers: Orphanet 3138, MedGen C1866994, MONDO:0008411, OMIM 181450.
TBX3-related disorder. Also called: TBX3-related condition.
Inborn genetic diseases. Identifiers: MedGen C0950123, MeSH D030342.

Allele frequency attached by ClinVar (database versions not stated): gnomAD exomes 0.00047; TOPMed 0.00054; gnomAD 0.00081 and 0.00085; ExAC 0.00093.
gnomAD v4.1: 791 of 1,574,128 alleles (0.05%); highest among the groups gnomAD compares: Non-Finnish European, 0.061%; 2 homozygotes.

Submissions (7):

GeneDx
Classification: Uncertain significance. Last evaluated: 2026-02-25. Review status: criteria provided, single submitter. Criteria: GeneDx Variant Classification Process June 2021. Collection method: clinical testing. Allele origin: germline.
Comment: In silico analysis suggests that this missense variant does not alter protein structure/function; Has not been previously published as pathogenic or benign to our knowledge

Labcorp Genetics (formerly Invitae), Labcorp
Classification: Benign for Ulnar-mammary syndrome. Last evaluated: 2026-01-14. Review status: criteria provided, single submitter. Criteria: Invitae Variant Classification Sherloc (09022015). Collection method: clinical testing. Allele origin: germline.

Blueprint Genetics
Classification: Likely benign. Last evaluated: 2024-11-08. Review status: criteria provided, single submitter. Criteria: ACMG Guidelines, 2015. Collection method: clinical testing. Allele origin: germline.

Ambry Genetics
Classification: Uncertain significance for Inborn genetic diseases. Last evaluated: 2024-06-03. Review status: criteria provided, single submitter. Criteria: Ambry Variant Classification Scheme 2023. Collection method: clinical testing. Allele origin: germline.

CeGaT Center for Human Genetics Tuebingen
Classification: Benign. Last evaluated: 2024-06-01. Review status: criteria provided, single submitter. Criteria: CeGaT Center For Human Genetics Tuebingen Variant Classification Criteria Version 2. Collection method: clinical testing. Allele origin: germline. Affected: yes. Observed: 2 variant alleles.
Comment: TBX3: BS1, BS2

Illumina Laboratory Services, Illumina
Classification: Benign for Ulnar-mammary syndrome. Last evaluated: 2018-01-13. Review status: criteria provided, single submitter. Criteria: ICSL Variant Classification Criteria 13 December 2019. Collection method: clinical testing. Allele origin: germline.
Comment: This variant was observed in the ICSL laboratory as part of a predisposition screen in an ostensibly healthy population. It had not been previously curated by ICSL or reported in the Human Gene Mutation Database (HGMD: prior to June 1st, 2018), and was therefore a candidate for classification through an automated scoring system. Utilizing variant allele frequency, disease prevalence and penetrance estimates, and inheritance mode, an automated score was calculated to assess if this variant is too frequent to cause the disease. Based on the score and internal cut-off values, a variant classified as benign is not then subjected to further curation. The score for this variant resulted in a classification of benign for this disease.

PreventionGenetics, part of Exact Sciences
Classification: Likely benign for TBX3-related condition. Last evaluated: 2020-12-10. Review status: no assertion criteria provided. Collection method: clinical testing. Allele origin: germline. Not counted in ClinVar's aggregate classification.
Comment: This variant is classified as likely benign based on ACMG/AMP sequence variant interpretation guidelines (Richards et al. 2015 PMID: 25741868, with internal and published modifications).

NM_005996.4(TBX3):c.1783T>G (p.Ser595Ala)

Gene: TBX3 (T-box transcription factor 3; minus strand). Cytogenetic location: 12q24.21.
Variant type: single nucleotide variant.
Coding change: c.1783T>G on transcript NM_005996.4 (MANE Select); coding-DNA position 1783, T replaced by G.
Protein change: p.Ser595Ala; replaces serine 595 with alanine.
Molecular consequence: missense variant.
Genome position (GRCh38, 1-based): chr12:114,672,230, A>C on the plus strand (T>G on the coding strand, the complement: TBX3 is on the minus strand). VCF-style: chr12-114672230-A-C. GRCh37 (hg19) VCF-style: chr12-115110035-A-C.
Other names: c.1843T>G, p.Ser615Ala (NM_016569.4); c.1843T>G (NM_016569.3); short protein forms S615A, S595A.
Identifiers: ClinVar variation 307358 (VCV000307358.40), dbSNP rs763473739, ClinGen allele CA6809848.